The following is an entry in ClinVar:

NM_003079.5(SMARCE1):c.223A>G (p.Arg75Gly)

Gene: SMARCE1 (SWI/SNF related BAF chromatin remodeling complex subunit E1; minus strand). Cytogenetic location: 17q21.2.
Variant type: single nucleotide variant.
Coding change: c.223A>G on transcript NM_003079.5 (MANE Select); coding-DNA position 223, A replaced by G.
Protein change: p.Arg75Gly; replaces arginine 75 with glycine.
Molecular consequence: missense variant.
Genome position (GRCh38, 1-based): chr17:40,637,506, T>C on the plus strand (A>G on the coding strand, the complement: SMARCE1 is on the minus strand). VCF-style: chr17-40637506-T-C. GRCh37 (hg19) VCF-style: chr17-38793758-T-C.
Other names: short protein forms R75G.
Identifiers: ClinVar variation 2505250 (VCV002505250.1), dbSNP rs2508606702, ClinGen allele CA399367751.

ClinVar aggregate classification (germline): Uncertain significance (1 of 4 stars; one submission).

Submission:

Greenwood Genetic Center Diagnostic Laboratories, Greenwood Genetic Center
Classification: Uncertain significance. Last evaluated: 2023-01-30. Review status: criteria provided, single submitter. Criteria: ACMG Guidelines, 2015. Collection method: clinical testing. Allele origin: germline. Affected: yes.
Comment: PM2, PP3